The following is an entry in ClinVar:

NM_130839.5(UBE3A):c.2483G>T (p.Gly828Val)

Genes: SNHG14 (small nucleolar RNA host gene 14; plus strand), UBE3A (ubiquitin protein ligase E3A; minus strand). Cytogenetic location: 15q11.2.
Variant type: single nucleotide variant.
Coding change: c.2483G>T on transcript NM_130839.5 (MANE Select); coding-DNA position 2483, G replaced by T.
Protein change: p.Gly828Val; replaces glycine 828 with valine.
Molecular consequence: missense variant. On other transcripts: non-coding transcript variant (1).
Genome position (GRCh38, 1-based): chr15:25,340,100, C>A on the plus strand (G>T on the coding strand, the complement: UBE3A is on the minus strand). VCF-style: chr15-25340100-C-A. GRCh37 (hg19) VCF-style: chr15-25585247-C-A.
Other names: c.2492G>T, p.Gly831Val (NM_000462.5); c.2483G>T, p.Gly828Val (NM_001354505.1, NM_001354538.2); c.2423G>T, p.Gly808Val (NM_001354506.2, NM_001354507.2, NM_001354508.2 and 14 more transcripts); c.1172G>T, p.Gly391Val (NM_001354551.2); c.2327G>T, p.Gly776Val (NM_001354545.2); c.2306G>T, p.Gly769Val (NM_001354546.2); c.2267G>T, p.Gly756Val (NM_001354547.2, NM_001354548.2); c.2258G>T, p.Gly753Val (NM_001354549.2); and 1 more; short protein forms G391V, G411V, G753V, G756V, G769V, G776V, G808V, G828V.
Identifiers: ClinVar variation 1675555 (VCV001675555.33), dbSNP rs2074492359, ClinGen allele CA391350906.

ClinVar aggregate classification (germline): Likely pathogenic (1 of 4 stars; one submission).

Submission:

CeGaT Center for Human Genetics Tuebingen
Classification: Likely pathogenic. Last evaluated: 2026-09-01. Review status: criteria provided, single submitter. Criteria: CeGaT Center For Human Genetics Tuebingen Variant Classification Criteria Version 2. Collection method: clinical testing. Allele origin: germline. Affected: yes. Observed: 2 variant alleles.
Comment: UBE3A: PM1, PM2, PP2, PP4, PS4:Supporting